The following is an entry in ClinVar:

ClinVar aggregate classification (germline): Pathogenic (1 of 4 stars; one submission).

Submission:

Labcorp Genetics (formerly Invitae), Labcorp
Classification: Pathogenic. Last evaluated: 2024-08-28. Review status: criteria provided, single submitter. Criteria: Invitae Variant Classification Sherloc (09022015). Collection method: clinical testing. Allele origin: germline.
Comment: This sequence change creates a premature translational stop signal (p.Lys59Argfs*14) in the POLE gene. It is expected to result in an absent or disrupted protein product. Loss-of-function variants in POLE are known to be pathogenic (PMID: 23230001, 25948378, 30503519). This variant is not present in population databases (gnomAD no frequency). This variant has not been reported in the literature in individuals affected with POLE-related conditions. ClinVar contains an entry for this variant (Variation ID: 962181). RNA analysis performed to evaluate the impact of this premature translational stop signal on mRNA splicing indicates it does not significantly alter splicing (internal data). For these reasons, this variant has been classified as Pathogenic.

Literature cited by the submitters: PubMed 23230001; PubMed 25948378; PubMed 30503519.

NM_006231.4(POLE):c.176del (p.Lys59fs)

Gene: POLE (DNA polymerase epsilon, catalytic subunit; minus strand). Cytogenetic location: 12q24.33.
Variant type: Deletion.
Coding change: c.176del on transcript NM_006231.4 (MANE Select); coding-DNA position 176, one base deleted (A; older notation c.176delA).
Protein change: p.Lys59fs; shifts the reading frame from lysine 59.
Molecular consequence: frameshift variant.
Genome position (GRCh38, 1-based): chr12:132,681,166, T deleted on the plus strand (A on the coding strand, the reverse complement: POLE is on the minus strand); the first of 2 consecutive T bases (chr12:132,681,166-132,681,167); deleting either gives the same sequence. VCF-style (leftmost placement, unchanged base first): chr12-132681165-CT-C. GRCh37 (hg19) VCF-style: chr12-133257751-CT-C.
Other names: short protein forms K59fs.
Identifiers: ClinVar variation 962181 (VCV000962181.10), dbSNP rs2043158678, ClinGen allele CA1139662991.